The following is an entry in ClinVar:

ClinVar aggregate classification (germline): Pathogenic. Review status: criteria provided, multiple submitters, no conflicts (2 of 4 stars). 15 submissions from 15 submitters: Pathogenic (14). 1 of the submissions does not count toward it. Last evaluated 2026-01-14.

Conditions:
Carnitine deficiency. Identifiers: MedGen C1142132.
SLC22A5-related disorder. Also called: SLC22A5-related condition.
Renal carnitine transport defect (CDSP). Also called: CARNITINE DEFICIENCY, SYSTEMIC, DUE TO DEFECT IN RENAL REABSORPTION OF CARNITINE; CARNITINE TRANSPORTER, PLASMA-MEMBRANE, DEFICIENCY OF; CARNITINE UPTAKE DEFECT; Primary carnitine deficiency; Carnitine transporter deficiency; Systemic primary carnitine deficiency disease. Identifiers: Orphanet 158, MedGen C0342788, MONDO:0008919, OMIM 212140.

Allele frequency attached by ClinVar (database versions not stated): gnomAD 0.00005; gnomAD exomes 0.00002 and 0.00012; 1000 Genomes Project 0.00020; ExAC 0.00006; TOPMed 0.00008; 1000 Genomes Project 30x 0.00016.
gnomAD v4.1: 42 of 1,613,420 alleles (0.0026%); highest among the groups gnomAD compares: East Asian, 0.085%; 1 homozygote.

Submissions (15):

Labcorp Genetics (formerly Invitae), Labcorp
Classification: Pathogenic for Renal carnitine transport defect. Last evaluated: 2026-01-14. Review status: criteria provided, single submitter. Criteria: Invitae Variant Classification Sherloc (09022015). Collection method: clinical testing. Allele origin: germline.
Comment: This sequence change replaces phenylalanine, which is neutral and non-polar, with leucine, which is neutral and non-polar, at codon 17 of the SLC22A5 protein (p.Phe17Leu). This variant is present in population databases (rs11568520, gnomAD 0.2%). This missense change has been observed in individual(s) with carnitine deficiency (PMID: 20074989, 20574985, 23520115). ClinVar contains an entry for this variant (Variation ID: 25350). Invitae Evidence Modeling of protein sequence and biophysical properties (such as structural, functional, and spatial information, amino acid conservation, physicochemical variation, residue mobility, and thermodynamic stability) indicates that this missense variant is expected to disrupt SLC22A5 protein function with a positive predictive value of 95%. Experimental studies have shown that this missense change affects SLC22A5 function (PMID: 16931768). For these reasons, this variant has been classified as Pathogenic.

Natera, Inc.
Classification: Pathogenic for Carnitine deficiency. Last evaluated: 2025-06-12. Review status: criteria provided, single submitter. Criteria: Natera Variant Classification Schema (03/2026). Collection method: clinical testing. Allele origin: germline.
Comment: The c.51C>G variant in SLC22A5 is a missense variant predicted to cause substitution of phenylalanine to leucine at amino acid 17. This variant is rare in the general population with a frequency below the threshold expected for the associated phenotype(s). This variant has been observed in one or more individuals affected with the associated recessive disease, as either homozygous or compound heterozygous with a second variant (PMID: 36321377). Additionally, this variant has been observed to segregate in affected family members (PMID: 36321377). Computational prediction algorithms indicate this variant is likely to affect gene or protein function. Given the available evidence, this variant is classified as Pathogenic.

Revvity Omics, Revvity
Classification: Pathogenic for Renal carnitine transport defect. Last evaluated: 2025-04-04. Review status: criteria provided, single submitter. Criteria: ACMG Guidelines, 2015. Collection method: clinical testing. Allele origin: germline.

Fulgent Genetics
Classification: Pathogenic for Renal carnitine transport defect. Last evaluated: 2024-04-30. Review status: criteria provided, single submitter. Criteria: ACMG Guidelines, 2015. Collection method: clinical testing. Allele origin: germline.

Blueprint Genetics
Classification: Pathogenic for SLC22A5-related disorders. Last evaluated: 2024-01-09. Review status: criteria provided, single submitter. Criteria: ACMG Guidelines, 2015. Collection method: clinical testing. Allele origin: germline. Affected: yes. Observed: 5 variant alleles.

Department of Pathology and Laboratory Medicine, Sinai Health System
Classification: Pathogenic for Renal carnitine transport defect. Last evaluated: 2023-08-22. Review status: criteria provided, single submitter. Criteria: ACMG Guidelines, 2015. Collection method: research. Allele origin: germline.

Women's Health and Genetics/Laboratory Corporation of America, LabCorp
Classification: Pathogenic for Renal carnitine transport defect. Last evaluated: 2023-03-16. Review status: criteria provided, single submitter. Criteria: LabCorp Variant Classification Summary - May 2015. Collection method: clinical testing. Allele origin: germline.
Comment: Variant summary: SLC22A5 c.51C>G (p.Phe17Leu) results in a non-conservative amino acid change in the encoded protein sequence. Five of five in-silico tools predict a damaging effect of the variant on protein function. The variant allele was found at a frequency of 0.00012 in 249224 control chromosomes (gnomAD), predominantly at a frequency of 0.0016 within the East Asian subpopulation in the gnomAD database. This frequency is not significantly higher than estimated for a pathogenic variant in SLC22A5 causing Systemic Primary Carnitine Deficiency (0.0016 vs 0.0046), allowing no conclusion about variant significance. c.51C>G has been reported in the literature as a biallelic genotype in multiple individuals affected with Systemic Primary Carnitine Deficiency (e.g. Lin_2021, Liammongkolkul_2023). These data indicate that the variant is very likely to be associated with disease. The variant was found to result in decreased L-carntine transport, with the most pronounced variant effect resulting in <20% normal activity which may be the result of incorrect localization to the cytoplasm instead of the plasma membrane (e.g. Urban_2006, Frigeni_2017). Eight ClinVar submitters have assessed the variant since 2014: all classified the variant as pathogenic. Based on the evidence outlined above, the variant was classified as pathogenic.

Giacomini Lab, University of California, San Francisco
Classification: Pathogenic for Renal carnitine transport defect. Last evaluated: 2022-10-03. Review status: criteria provided, single submitter. Criteria: ACMG Guidelines, 2015. Collection method: research, in vitro. Allele origin: germline, not applicable.

GeneDx
Classification: Pathogenic. Last evaluated: 2022-01-04. Review status: criteria provided, single submitter. Criteria: GeneDx Variant Classification Process June 2021. Collection method: clinical testing. Allele origin: germline. Affected: yes.
Comment: Functional analysis of p.(F17L) found that it is associated with decreased function, impaired carnitine transport, and distinct subcellular localization (Urban et al., 2006); In silico analysis supports that this missense variant has a deleterious effect on protein structure/function; This variant is associated with the following publications: (PMID: 25132046, 20074989, 28711408, 23520115, 20574985, 28186590, 19940846, 26828774, 28841266, 29132460, 30904546, 31364285, 31472821, 31980526, 33050909, 33757571, 33560599, 32778825, 33181153, 16931768)

Genome-Nilou Lab
Classification: Pathogenic for Renal carnitine transport defect. Last evaluated: 2021-07-15. Review status: criteria provided, single submitter. Criteria: ACMG Guidelines, 2015. Collection method: clinical testing. Allele origin: germline. Affected: no.

Myriad Genetics, Inc.
Classification: Pathogenic for Renal carnitine transport defect. Last evaluated: 2020-01-02. Review status: criteria provided, single submitter. Criteria: Myriad Women's Health Autosomal Recessive and X-Linked Classification Criteria (2019). Collection method: clinical testing. Allele origin: unknown.
Comment: NM_003060.3(SLC22A5):c.51C>G(F17L) is classified as pathogenic in the context of primary carnitine deficiency. Sources cited for classification include the following: PMID 18337137, 30904546, 30838026, 29132460, 28841266, 25132046, 23520115, 23798014, 20574985 and 16931768. Classification of NM_003060.3(SLC22A5):c.51C>G(F17L) is based on the following criteria: There is strong evidence of association with the variant and the relevant disease and there is functional data showing deficient protein function. Please note: this variant was assessed in the context of healthy population screening.

ARUP Laboratories, Molecular Genetics and Genomics, ARUP Laboratories
Classification: Pathogenic. Last evaluated: 2018-05-15. Review status: criteria provided, single submitter. Criteria: ARUP Molecular Germline Variant Investigation Process. Collection method: clinical testing. Allele origin: germline.
Comment: The SLC22A5 c.51C>G; p.Phe17Leu variant (rs11568520) has been described as a common pathogenic variant in the Chinese population (Chen 2013) and has been identified in the homozygous and compound heterozygous states in patients affected with and newborns screening positive for primary carnitine deficiency (Chen 2013, Han 2014, Lee 2010, Li 2010). It is reported as pathogenic in ClinVar (Variation ID: 25350) and is observed in the general population at a low overall frequency of 0.01% (29/275524 alleles) in the Genome Aggregation Database. The phenylalanine at codon 17 is highly conserved and computational algorithms (SIFT, PolyPhen2) predict this variant to be deleterious to protein function. Additionally, functional analysis of the variant protein demonstrates defective trafficking to the plasma membrane and reduced enzymatic function (Urban 2006). Based on available information, this variant is considered pathogenic. References: Chen Y et al. Carnitine uptake defect (primary carnitine deficiency): risk in genotype-phenotype correlation. Hum Mutat. 2013;34(4):655. Han L et al. Analysis of genetic mutations in Chinese patients with systemic primary carnitine deficiency. Eur J Med Genet. 2014 Oct;57(10):571-5. Li F et al. Molecular spectrum of SLC22A5 (OCTN2) gene mutations detected in 143 subjects evaluated for systemic carnitine deficiency. Hum Mutat. 2010;31(8):E1632-51. Urban T et al. Functional genetic diversity in the high-affinity carnitine transporter OCTN2 (SLC22A5). Mol Pharmacol. 2006;70(5):1602-11.

Eurofins Ntd Llc (ga)
Classification: Pathogenic. Last evaluated: 2014-02-16. Review status: criteria provided, single submitter. Criteria: EGL Classification Definitions 2015. Collection method: clinical testing. Allele origin: germline. Observed: 4 variant alleles, 4 heterozygotes.

Juno Genomics, Hangzhou Juno Genomics, Inc
Classification: Pathogenic for Renal carnitine transport defect. Review status: criteria provided, single submitter. Criteria: ACMG Guidelines, 2015. Collection method: clinical testing. Allele origin: germline. Affected: yes.
Comment: Multiple lines of computational evidence support a deleterious effect on the gene or gene product (conservation, evolutionary, splicing impact, etc).;For recessive disorders, detected in trans with a pathogenic variant.

Neonatal Disease Screening Center, Medical Genetics Center, Huaihua City Maternal and Child Health Care Hospital
Classification: Pathogenic for Renal carnitine transport defect. Review status: no assertion criteria provided. Criteria: ACMG Guidelines, 2015. Collection method: clinical testing. Allele origin: germline. Affected: yes. Observed: 5 variant alleles. Not counted in ClinVar's aggregate classification.
Comment: PS3+PM3_VS+PP1_S+PP3+PP4

Literature cited by the submitters: PubMed 20074989 (cited by Labcorp Genetics (formerly Invitae), Labcorp); PubMed 20574985 (cited by Labcorp Genetics (formerly Invitae), Labcorp and Myriad Genetics, Inc.); PubMed 23520115 (cited by Labcorp Genetics (formerly Invitae), Labcorp and Myriad Genetics, Inc.); PubMed 16931768 (cited by 3 submitters); PubMed 36321377 (cited by Natera, Inc. and Women's Health and Genetics/Laboratory Corporation of America, LabCorp); PubMed 28841266 (cited by Women's Health and Genetics/Laboratory Corporation of America, LabCorp and Myriad Genetics, Inc.); PubMed 33181153 (cited by Women's Health and Genetics/Laboratory Corporation of America, LabCorp); PubMed 18337137 (cited by Myriad Genetics, Inc.); PubMed 30904546 (cited by Myriad Genetics, Inc.); PubMed 30838026 (cited by Myriad Genetics, Inc.); PubMed 29132460 (cited by Myriad Genetics, Inc.); PubMed 25132046 (cited by Myriad Genetics, Inc.); PubMed 23798014 (cited by Myriad Genetics, Inc.).

NM_003060.4(SLC22A5):c.51C>G (p.Phe17Leu)

Gene: SLC22A5 (solute carrier family 22 member 5; plus strand). Cytogenetic location: 5q31.1.
Variant type: single nucleotide variant.
Coding change: c.51C>G on transcript NM_003060.4 (MANE Select); coding-DNA position 51, C replaced by G.
Protein change: p.Phe17Leu; replaces phenylalanine 17 with leucine.
Molecular consequence: missense variant.
Genome position (GRCh38, 1-based): chr5:132,370,023, C>G. VCF-style: chr5-132370023-C-G. GRCh37 (hg19) VCF-style: chr5-131705715-C-G.
Other names: c.51C>G, p.Phe17Leu (NM_001308122.2).
Identifiers: ClinVar variation 25350 (VCV000025350.46), dbSNP rs11568520, ClinGen allele CA342607.